The following is an entry in ClinVar:

NM_004360.5(CDH1):c.41T>G (p.Leu14Arg)

Gene: CDH1 (cadherin 1; plus strand). Cytogenetic location: 16q22.1.
Variant type: single nucleotide variant.
Coding change: c.41T>G on transcript NM_004360.5 (MANE Select); coding-DNA position 41, T replaced by G.
Protein change: p.Leu14Arg; replaces leucine 14 with arginine.
Molecular consequence: missense variant. On other transcripts: 5 prime UTR variant (2).
Genome position (GRCh38, 1-based): chr16:68,737,456, T>G. VCF-style: chr16-68737456-T-G. GRCh37 (hg19) VCF-style: chr16-68771359-T-G.
Other names: c.41T>G, p.Leu14Arg (NM_001317184.2); c.-1575T>G (NM_001317185.2); c.-1779T>G (NM_001317186.2); short protein forms L14R.
Identifiers: ClinVar variation 3488663 (VCV003488663.1).

ClinVar aggregate classification (germline): Uncertain significance (1 of 4 stars; one submission).

Conditions:
Hereditary cancer-predisposing syndrome. Also called: Tumor predisposition; Neoplastic Syndromes, Hereditary; Hereditary Cancer Syndrome; Hereditary neoplastic syndrome. Identifiers: Orphanet 140162, MedGen C0027672, MeSH D009386, MONDO:0015356.

Submission:

Ambry Genetics
Classification: Uncertain significance for Hereditary cancer-predisposing syndrome. Last evaluated: 2024-11-05. Review status: criteria provided, single submitter. Criteria: Ambry Variant Classification Scheme 2023. Collection method: clinical testing. Allele origin: germline.
Comment: The p.L14R variant (also known as c.41T>G), located in coding exon 1 of the CDH1 gene, results from a T to G substitution at nucleotide position 41. The leucine at codon 14 is replaced by arginine, an amino acid with dissimilar properties. This amino acid position is well conserved in available vertebrate species. In addition, this alteration is predicted to be tolerated by in silico analysis. Based on the available evidence, the clinical significance of this variant remains unclear.